The following is an entry in ClinVar:

NM_002880.4(RAF1):c.420C>A (p.Asn140Lys)

Gene: RAF1 (Raf-1 proto-oncogene, serine/threonine kinase; minus strand). Cytogenetic location: 3p25.2.
Variant type: single nucleotide variant.
Coding change: c.420C>A on transcript NM_002880.4 (MANE Select); coding-DNA position 420, C replaced by A.
Protein change: p.Asn140Lys; replaces asparagine 140 with lysine.
Molecular consequence: missense variant. On other transcripts: non-coding transcript variant (3).
Genome position (GRCh38, 1-based): chr3:12,609,236, G>T on the plus strand (C>A on the coding strand, the complement: RAF1 is on the minus strand). VCF-style: chr3-12609236-G-T. GRCh37 (hg19) VCF-style: chr3-12650735-G-T.
Other names: c.420C>A, p.Asn140Lys (NM_001354689.3, NM_001354690.3, NM_001354693.3); c.177C>A, p.Asn59Lys (NM_001354691.3, NM_001354692.3, NM_001354694.3 and 1 more transcripts); short protein forms N140K, N59K.
Identifiers: ClinVar variation 3373356 (VCV003373356.1).
Genomic context (GRCh38, chr3:12,609,236, plus strand): 5'-CTGTTATGCCTGGCAAAGCCCTCAACATGCCAGAAAGAGAAGAGATCTGCAACTTACAAA[G>T]TTGTGTGTTGTGAGGGGAACATGATCCAGGAAATCTACTTGAAGTTCTTCTCCAATCAAA-3'
Protein context (NP_002871.1, residues 130-150): FLDHVPLTTH[Asn140Lys]FARKTFLKLA

ClinVar aggregate classification (germline): Uncertain significance (1 of 4 stars; one submission).

Submission:

GeneDx
Classification: Uncertain significance. Last evaluated: 2024-04-30. Review status: criteria provided, single submitter. Criteria: GeneDx Variant Classification Process June 2021. Collection method: clinical testing. Allele origin: germline. Affected: yes.
Comment: Not observed at significant frequency in large population cohorts (gnomAD); Missense variants in this gene are a common cause of disease and they are underrepresented in the general population; In silico analysis supports that this missense variant has a deleterious effect on protein structure/function; Has not been previously published as pathogenic or benign to our knowledge; This variant is associated with the following publications: (PMID: 29493581)